The following is an entry in ClinVar:

NM_016035.5(COQ4):c.745C>T (p.Arg249Trp)

Gene: COQ4 (coenzyme Q4; plus strand). Cytogenetic location: 9q34.11.
Variant type: single nucleotide variant.
Coding change: c.745C>T on transcript NM_016035.5 (MANE Select); coding-DNA position 745, C replaced by T.
Protein change: p.Arg249Trp; replaces arginine 249 with tryptophan.
Molecular consequence: missense variant. On other transcripts: 3 prime UTR variant (1).
Genome position (GRCh38, 1-based): chr9:128,333,592, C>T. VCF-style: chr9-128333592-C-T. GRCh37 (hg19) VCF-style: chr9-131095871-C-T.
Other names: c.*121C>T (NM_001305942.2); short protein forms R249W.
Identifiers: ClinVar variation 2686019 (VCV002686019.3), dbSNP rs1832451455, ClinGen allele CA375024842.

ClinVar aggregate classification (germline): Uncertain significance. Review status: criteria provided, single submitter (1 of 4 stars). 2 submissions from 2 submitters: Uncertain significance (1). 1 of the submissions does not count toward it. Last evaluated 2022-06-21.

Conditions:
Neonatal encephalomyopathy-cardiomyopathy-respiratory distress syndrome. Also called: Coenzyme Q10 deficiency, primary, 7. Identifiers: Orphanet 457185, MedGen C5568562, MONDO:0014562, OMIM 616276.
Spastic ataxia 10, autosomal recessive (SPAX10). Identifiers: MedGen C5882738, MONDO:0958009, OMIM 620666.

Allele frequency attached by ClinVar (database versions not stated): gnomAD exomes below 0.00001.
gnomAD v4.1: 6 of 1,605,630 alleles (0.00037%); highest among the groups gnomAD compares: African/African-American, 0.0013%; no homozygotes.

Submissions (2):

Kariminejad - Najmabadi Pathology & Genetics Center
Classification: Uncertain significance for Neonatal encephalomyopathy-cardiomyopathy-respiratory distress syndrome. Last evaluated: 2022-06-21. Review status: criteria provided, single submitter. Criteria: ACMG Guidelines, 2015. Collection method: clinical testing. Allele origin: germline. Inheritance: Autosomal recessive inheritance. Affected: yes.
Comment: PM2,PP3

OMIM
Classification: Pathogenic for SPASTIC ATAXIA 10, AUTOSOMAL RECESSIVE. Last evaluated: 2024-02-15. Review status: no assertion criteria provided. Collection method: literature only. Allele origin: germline. Not counted in ClinVar's aggregate classification.

Literature cited by the submitters: PubMed 38014483 (cited by OMIM).